The following is an entry in ClinVar:

ClinVar aggregate classification (germline): Uncertain significance (1 of 4 stars; one submission).

Conditions:
Early-infantile DEE. Also called: Ohtahara syndrome; Early infantile epileptic encephalopathy with suppression bursts; Early infantile epileptic encephalopathy. Identifiers: Orphanet 1934, MedGen C0393706, MONDO:0800491.

Allele frequency attached by ClinVar (database versions not stated): gnomAD exomes 0.00001 and below 0.00001.

Submission:

Labcorp Genetics (formerly Invitae), Labcorp
Classification: Uncertain significance for Early-infantile DEE. Last evaluated: 2022-03-19. Review status: criteria provided, single submitter. Criteria: Invitae Variant Classification Sherloc (09022015). Collection method: clinical testing. Allele origin: germline.
Comment: In summary, the available evidence is currently insufficient to determine the role of this variant in disease. Therefore, it has been classified as a Variant of Uncertain Significance. Algorithms developed to predict the effect of missense changes on protein structure and function are either unavailable or do not agree on the potential impact of this missense change (SIFT: "Deleterious"; PolyPhen-2: "Possibly Damaging"; Align-GVGD: "Class C0"). This variant has not been reported in the literature in individuals affected with ST3GAL3-related conditions. This variant is present in population databases (no rsID available, gnomAD 0.0009%). This sequence change replaces methionine, which is neutral and non-polar, with valine, which is neutral and non-polar, at codon 108 of the ST3GAL3 protein (p.Met108Val).

NM_006279.5(ST3GAL3):c.322A>G (p.Met108Val)

Gene: ST3GAL3 (ST3 beta-galactoside alpha-2,3-sialyltransferase 3; plus strand). Cytogenetic location: 1p34.1.
Variant type: single nucleotide variant.
Coding change: c.322A>G on transcript NM_006279.5 (MANE Select); coding-DNA position 322, A replaced by G.
Protein change: p.Met108Val; replaces methionine 108 with valine.
Molecular consequence: missense variant. On other transcripts: intron variant (1), non-coding transcript variant (8).
Genome position (GRCh38, 1-based): chr1:43,894,402, A>G. VCF-style: chr1-43894402-A-G. GRCh37 (hg19) VCF-style: chr1-44360074-A-G.
Other names: c.322A>G, p.Met108Val (NM_001270459.2, NM_001350620.2, NM_174966.4 and 1 more transcripts); c.229A>G, p.Met77Val (NM_001270460.2); c.274A>G, p.Met92Val (NM_001270461.3, NM_001270464.3, NM_174969.4 and 1 more transcripts); c.181A>G, p.Met61Val (NM_001270462.3); c.319A>G, p.Met107Val (NM_001270463.3, NM_001270465.3); c.367A>G, p.Met123Val (NM_001350619.2, NM_174964.4, NM_174965.4); c.43A>G, p.Met15Val (NM_001350621.2); c.484A>G, p.Met162Val (NM_001363573.2, NM_174968.5); and 3 more; short protein forms M108V, M15V, M162V, M77V, M146V, M61V, M92V, M107V.
Identifiers: ClinVar variation 1438715 (VCV001438715.9), dbSNP rs1243539234, ClinGen allele CA340269587.
Genomic context (GRCh38, chr1:43,894,402, plus strand): 5'-GTTGCGTTTTTGTGATCCTCAGCAGTCCTGTTATATTCCAGGTTCTCCAAGCCAGCACCC[A>G]TGTTCCTGGATGACTCCTTTCGCAAGTGGGCTAGAATCCGGGAGTTCGTGCCGCCTTTTG-3'
Protein context (NP_006270.1, residues 98-118): IFPRFSKPAP[Met108Val]FLDDSFRKWA